The following is an entry in ClinVar:

ClinVar aggregate classification (germline): Benign. Review status: reviewed by expert panel (3 of 4 stars). 15 submissions from 14 submitters: Benign (1). 14 of the submissions do not count toward it. Last evaluated 2015-01-12.
ClinVar aggregate classification (somatic clinical impact): Tier IV - Benign/Likely benign (0 of 4 stars; one submission).

Conditions:
Hereditary cancer-predisposing syndrome. Also called: Neoplastic Syndromes, Hereditary; Tumor predisposition; Hereditary neoplastic syndrome; Hereditary Cancer Syndrome. Identifiers: Orphanet 140162, MedGen C0027672, MeSH D009386, MONDO:0015356.
Hereditary breast ovarian cancer syndrome. Also called: Hereditary breast and ovarian cancer syndrome; Hereditary breast and ovarian cancer; Hereditary breast and/or ovarian cancer syndrome; Breast and ovarian cancer; BRCA1- and BRCA2-Associated Hereditary Breast and Ovarian Cancer; Hereditary breast and ovarian cancer syndrome (HBOC). Identifiers: Orphanet 145, MedGen C0677776, MeSH D061325, MONDO:0003582. Disease mechanism: loss of function.
Breast-ovarian cancer, familial, susceptibility to, 2 (BROVCA2). Also called: BRCA2 Hereditary Breast and Ovarian Cancer. Identifiers: Orphanet 145, MedGen C2675520, MONDO:0012933, OMIM 612555. Disease mechanism: loss of function.
Familial cancer of breast. Also called: Hereditary breast cancer; BREAST CANCER, FAMILIAL; hereditary breast carcinoma. Identifiers: Orphanet 227535, MedGen C0346153, MONDO:0016419, OMIM 114480. Disease mechanism: loss of function.

Allele frequency attached by ClinVar (database versions not stated): 1000 Genomes Project 0.18590; gnomAD 0.20536 and 0.21010; TOPMed 0.20634; gnomAD exomes 0.18797; 1000 Genomes Project 30x 0.18707.
gnomAD v4.1: 248,500 of 1,307,266 alleles (19%); highest among the groups gnomAD compares: African/African-American, 25%; 24,994 homozygotes.

Submissions (16):

Evidence-based Network for the Interpretation of Germline Mutant Alleles (ENIGMA)
Classification: Benign for Breast-ovarian cancer, familial 2. Last evaluated: 2015-01-12. Review status: reviewed by expert panel. Criteria: ENIGMA BRCA1/2 Classification Criteria (2015). Collection method: curation. Allele origin: germline.
Comment: Class 1 not pathogenic based on frequency >1% in an outbred sampleset. Frequency 0.07343 (Asian), 0.313 (African), 0.2018 (European), derived from 1000 genomes (2012-04-30).

Labcorp Genetics (formerly Invitae), Labcorp
Classification: Benign for Hereditary breast ovarian cancer syndrome. Last evaluated: 2026-01-05. Review status: criteria provided, single submitter. Criteria: Invitae Variant Classification Sherloc (09022015). Collection method: clinical testing. Allele origin: germline. Not counted in ClinVar's aggregate classification.

KCCC/NGS Laboratory, Kuwait Cancer Control Center
Classification: Benign for Familial cancer of breast. Last evaluated: 2025-02-01. Review status: criteria provided, single submitter. Criteria: ACMG Guidelines, 2015. Collection method: clinical testing. Allele origin: germline. Affected: no. Not counted in ClinVar's aggregate classification.

KCCC/NGS Laboratory, Kuwait Cancer Control Center
Classification: Benign for Breast-ovarian cancer, familial, susceptibility to, 2. Last evaluated: 2023-07-07. Review status: criteria provided, single submitter. Criteria: ACMG Guidelines, 2015. Collection method: clinical testing. Allele origin: germline. Affected: yes. Not counted in ClinVar's aggregate classification.

National Health Laboratory Service, Universitas Academic Hospital and University of the Free State
Classification: Benign for Hereditary breast ovarian cancer syndrome. Last evaluated: 2022-04-19. Review status: criteria provided, single submitter. Criteria: ACMG Guidelines, 2015. Collection method: clinical testing. Allele origin: germline. Affected: yes. Observed: 563 variant alleles. Not counted in ClinVar's aggregate classification.

GeneKor MSA
Classification: Benign. Last evaluated: 2017-11-01. Review status: criteria provided, single submitter. Criteria: ACMG Guidelines, 2015. Collection method: clinical testing. Allele origin: germline. Affected: yes. Not counted in ClinVar's aggregate classification.

Department of Pathology and Molecular Medicine, Queen's University
Classification: Benign. Last evaluated: 2017-04-20. Review status: criteria provided, single submitter. Criteria: ACMG Guidelines, 2015. Collection method: clinical testing. Allele origin: germline. Study: The Canadian Open Genetics Repository (COGR). Not counted in ClinVar's aggregate classification.

Color Diagnostics, LLC DBA Color Health
Classification: Benign for Hereditary cancer-predisposing syndrome. Last evaluated: 2014-12-09. Review status: criteria provided, single submitter. Criteria: ACMG Guidelines, 2015. Collection method: clinical testing. Allele origin: germline. Not counted in ClinVar's aggregate classification.

Ambry Genetics
Classification: Benign for Hereditary cancer-predisposing syndrome. Last evaluated: 2014-11-19. Review status: criteria provided, single submitter. Criteria: Ambry Variant Classification Scheme 2023. Collection method: clinical testing. Allele origin: germline. Not counted in ClinVar's aggregate classification.

Genome Diagnostics Laboratory, University Medical Center Utrecht
Classification: Benign for Breast-ovarian cancer, familial, susceptibility to, 2. Last evaluated: 2014-10-09. Review status: criteria provided, single submitter. Criteria: ACGS Guidelines, 2013. Collection method: clinical testing. Allele origin: germline. Affected: yes. Study: VKGL Data-share Consensus. Not counted in ClinVar's aggregate classification.

Breakthrough Genomics
Classification: Benign. Review status: criteria provided, single submitter. Criteria: ACMG Guidelines, 2015. Collection method: not provided. Allele origin: germline. Inheritance: Autosomal recessive inheritance. Affected: yes. Not counted in ClinVar's aggregate classification.

Department of Pathology and Laboratory Medicine, Sinai Health System
Classification: Benign. Review status: criteria provided, single submitter. Criteria: ACMG Guidelines, 2015. Collection method: clinical testing. Allele origin: germline. Affected: yes. Study: The Canadian Open Genetics Repository (COGR). Not counted in ClinVar's aggregate classification.

GreenArray Genomic Research & Solutions of Accurate Diagnostic Private Limited
Classification: Benign for Breast-ovarian cancer, familial, susceptibility to, 2. Review status: criteria provided, single submitter. Criteria: ACMG Guidelines, 2015. Collection method: clinical testing. Allele origin: germline. Affected: no. Not counted in ClinVar's aggregate classification.

Breast Cancer Information Core (BIC) (BRCA2)
Classification: Uncertain significance for Breast-ovarian cancer, familial 2. Last evaluated: 1999-04-12. Review status: no assertion criteria provided. Collection method: clinical testing. Allele origin: germline. Affected: yes. Observed: 148 variant alleles. Not counted in ClinVar's aggregate classification.

Clinical Genetics Laboratory, Department of Pathology, Netherlands Cancer Institute
Classification: Benign. Review status: no assertion criteria provided. Collection method: clinical testing. Allele origin: germline. Affected: yes. Study: VKGL Data-share Consensus. Not counted in ClinVar's aggregate classification.

Faculté Pluridciplinaire Nador, Université Mohamed Premier
Classification: Tier IV - Benign/Likely benign for Familial cancer of breast. Review status: no assertion criteria provided. Collection method: research. Allele origin: somatic. Affected: yes.
Comment: The following databases and algorithms are used to annotate and evaluate the impact of the variant in the context of human disease: 1000 genomes, gnomAD, ClinVar, OMIM, dbSNP, NCIB RefSeq Genes, ExAC Gene Constraints, VS-SIFT, VS-PolyPhen2, PhyloP, GERP++, GeneSplicer, MaxEntScan, NNSplice, PWM Splice Predictor.

Literature cited by the submitters: DOI 10.3389/fgene.2022.834265 (cited by National Health Laboratory Service, Universitas Academic Hospital and University of the Free State).

NM_000059.4(BRCA2):c.681+56C>T

Gene: BRCA2 (BRCA2 DNA repair associated; plus strand). Cytogenetic location: 13q13.1.
Variant type: single nucleotide variant.
Coding change: c.681+56C>T on transcript NM_000059.4 (MANE Select); 56 bases into the intron after coding-DNA position 681, C replaced by T.
Molecular consequence: intron variant.
Genome position (GRCh38, 1-based): chr13:32,329,548, C>T. VCF-style: chr13-32329548-C-T. GRCh37 (hg19) VCF-style: chr13-32903685-C-T.
Other names: IVS8+56C>T; IVS 8+56C>T.
Identifiers: ClinVar variation 126192 (VCV000126192.31), dbSNP rs2126042, ClinGen allele CA024438.
Genomic context (GRCh38, chr13:32,329,548, plus strand): 5'-CTGCTGTAAGTAAATATGACATTGATTAGACTGTTGAAATTGCTAACAATTTTGGAATGC[C>T]TTGTTAAATTATTTATCTTACATTTTTAATTTCCTAATCTGTAATTTATCTAAGCCTTTG-3'